The following is an entry in ClinVar:

NM_005732.4(RAD50):c.1793+1G>C

Gene: RAD50 (RAD50 double strand break repair protein; plus strand). Cytogenetic location: 5q31.1.
Variant type: single nucleotide variant.
Coding change: c.1793+1G>C on transcript NM_005732.4 (MANE Select); the canonical splice donor site of the intron after coding-DNA position 1793, G replaced by C.
Molecular consequence: splice donor variant.
Genome position (GRCh38, 1-based): chr5:132,592,035, G>C. VCF-style: chr5-132592035-G-C. GRCh37 (hg19) VCF-style: chr5-131927727-G-C.
Identifiers: ClinVar variation 663686 (VCV000663686.7), dbSNP rs1356107538, ClinGen allele CA360946829.

ClinVar aggregate classification (germline): Likely pathogenic (1 of 4 stars; one submission).

Conditions:
Hereditary cancer-predisposing syndrome. Also called: Neoplastic Syndromes, Hereditary; Tumor predisposition; Hereditary neoplastic syndrome; Hereditary Cancer Syndrome. Identifiers: Orphanet 140162, MedGen C0027672, MeSH D009386, MONDO:0015356.

Allele frequency attached by ClinVar (database versions not stated): gnomAD exomes below 0.00001; gnomAD 0.00001; TOPMed 0.00001.
gnomAD v4.1: 2 of 1,608,944 alleles (0.00012%); highest among the groups gnomAD compares: African/African-American, 0.0027%; no homozygotes.

Submission:

Labcorp Genetics (formerly Invitae), Labcorp
Classification: Likely pathogenic for Hereditary cancer-predisposing syndrome. Last evaluated: 2024-04-16. Review status: criteria provided, single submitter. Criteria: Invitae Variant Classification Sherloc (09022015). Collection method: clinical testing. Allele origin: germline.
Comment: This sequence change affects a donor splice site in intron 11 of the RAD50 gene. It is expected to disrupt RNA splicing. Variants that disrupt the donor or acceptor splice site typically lead to a loss of protein function (PMID: 16199547), and loss-of-function variants in RAD50 are known to be pathogenic (PMID: 19409520). This variant is present in population databases (no rsID available, gnomAD 0.007%). This variant has not been reported in the literature in individuals affected with RAD50-related conditions. ClinVar contains an entry for this variant (Variation ID: 663686). Algorithms developed to predict the effect of sequence changes on RNA splicing suggest that this variant may disrupt the consensus splice site. In summary, the currently available evidence indicates that the variant is pathogenic, but additional data are needed to prove that conclusively. Therefore, this variant has been classified as Likely Pathogenic.

Literature cited by the submitters: PubMed 16199547; PubMed 19409520.